The following is an entry in ClinVar:

ClinVar aggregate classification (germline): Uncertain significance. Review status: criteria provided, multiple submitters, no conflicts (2 of 4 stars). 3 submissions from 3 submitters: Uncertain significance (3). Last evaluated 2025-04-10.

Conditions:
Inborn genetic diseases. Identifiers: MedGen C0950123, MeSH D030342.
Wilms tumor 1 (WT1). Also called: Wilms tumor, somatic. Identifiers: Orphanet 654, MedGen CN033288, MONDO:0008679, OMIM 194070.
Simpson-Golabi-Behmel syndrome type 1 (SGBS1). Also called: GPC3-Related Simpson-Golabi-Behmel Syndrome Type 1; BULLDOG SYNDROME; DYSPLASIA GIGANTISM SYNDROME, X-LINKED; GOLABI-ROSEN SYNDROME; SIMPSON DYSMORPHIA SYNDROME. Identifiers: Orphanet 373, MedGen C0796154, MONDO:0020602, OMIM 312870.

Submissions (3):

Labcorp Genetics (formerly Invitae), Labcorp
Classification: Uncertain significance for Wilms tumor 1. Last evaluated: 2025-04-10. Review status: criteria provided, single submitter. Criteria: Invitae Variant Classification Sherloc (09022015). Collection method: clinical testing. Allele origin: germline.
Comment: This sequence change replaces valine, which is neutral and non-polar, with phenylalanine, which is neutral and non-polar, at codon 119 of the GPC3 protein (p.Val119Phe). The frequency data for this variant in the population databases is considered unreliable, as metrics indicate poor data quality at this position in the gnomAD database. This variant has not been reported in the literature in individuals affected with GPC3-related conditions. ClinVar contains an entry for this variant (Variation ID: 408889). Invitae Evidence Modeling of protein sequence and biophysical properties (such as structural, functional, and spatial information, amino acid conservation, physicochemical variation, residue mobility, and thermodynamic stability) indicates that this missense variant is not expected to disrupt GPC3 protein function with a negative predictive value of 80%. In summary, the available evidence is currently insufficient to determine the role of this variant in disease. Therefore, it has been classified as a Variant of Uncertain Significance.

Fulgent Genetics
Classification: Uncertain significance for Wilms tumor 1; Simpson-Golabi-Behmel syndrome type 1. Last evaluated: 2024-06-12. Review status: criteria provided, single submitter. Criteria: ACMG Guidelines, 2015. Collection method: clinical testing. Allele origin: germline.

Ambry Genetics
Classification: Uncertain significance for Inborn genetic diseases. Last evaluated: 2019-05-21. Review status: criteria provided, single submitter. Criteria: Ambry Variant Classification Scheme 2023. Collection method: clinical testing. Allele origin: germline.
Comment: The p.V119F variant (also known as c.355G>T), located in coding exon 3 of the GPC3 gene, results from a G to T substitution at nucleotide position 355. The valine at codon 119 is replaced by phenylalanine, an amino acid with highly similar properties. This amino acid position is highly conserved in available vertebrate species. In addition, the in silico prediction for this alteration is inconclusive. Since supporting evidence is limited at this time, the clinical significance of this alteration remains unclear.

NM_004484.4(GPC3):c.355G>T (p.Val119Phe)

Gene: GPC3 (glypican 3; minus strand). Cytogenetic location: Xq26.2.
Variant type: single nucleotide variant.
Coding change: c.355G>T on transcript NM_004484.4 (MANE Select); coding-DNA position 355, G replaced by T.
Protein change: p.Val119Phe; replaces valine 119 with phenylalanine.
Molecular consequence: missense variant.
Genome position (GRCh38, 1-based): chrX:133,754,159, C>A on the plus strand (G>T on the coding strand, the complement: GPC3 is on the minus strand). VCF-style: chrX-133754159-C-A. GRCh37 (hg19) VCF-style: chrX-132888186-C-A.
Other names: c.355G>T, p.Val119Phe (NM_001164617.2); c.307G>T, p.Val103Phe (NM_001164618.2); c.193G>T, p.Val65Phe (NM_001164619.2); short protein forms V119F, V65F, V103F.
Identifiers: ClinVar variation 408889 (VCV000408889.12), dbSNP rs1060502171, ClinGen allele CA16616443.
Genomic context (GRCh38, chrX:133,754,159, plus strand): 5'-GAGTCAGGCTTGGGTAGTTGTTCTTGAACATGGCATTGGTGTAGTTCTTGGCATGGCGAA[C>A]AACAATTTCAAAGGCCTCTGTAAAAAAAAAAAAAAAAGAGACACAAAAATGTGTACAAAT-3'
Protein context (NP_004475.1, residues 109-129): AVFQEAFEIV[Val119Phe]RHAKNYTNAM